The following is an entry in ClinVar:

NM_001123385.2(BCOR):c.590A>C (p.Glu197Ala)

Genes: BCOR (BCL6 corepressor; minus strand), LOC126863239 (MED14-independent group 3 enhancer GRCh37_chrX:39932994-39934193; plus strand). Cytogenetic location: Xp11.4.
Variant type: single nucleotide variant.
Coding change: c.590A>C on transcript NM_001123385.2 (MANE Select); coding-DNA position 590, A replaced by C.
Protein change: p.Glu197Ala; replaces glutamic acid 197 with alanine.
Molecular consequence: missense variant.
Genome position (GRCh38, 1-based): chrX:40,074,756, T>G on the plus strand (A>C on the coding strand, the complement: BCOR is on the minus strand). VCF-style: chrX-40074756-T-G. GRCh37 (hg19) VCF-style: chrX-39934009-T-G.
Other names: c.590A>C, p.Glu197Ala (NM_001123383.2, NM_001123384.2, NM_017745.6); short protein forms E197A.
Identifiers: ClinVar variation 1704112 (VCV001704112.2), dbSNP rs1216442106, ClinGen allele CA412748408.

ClinVar aggregate classification (germline): Uncertain significance (1 of 4 stars; one submission).

Submission:

GeneDx
Classification: Uncertain significance. Last evaluated: 2022-03-04. Review status: criteria provided, single submitter. Criteria: GeneDx Variant Classification Process June 2021. Collection method: clinical testing. Allele origin: germline. Affected: yes.
Comment: Not observed at significant frequency in large population cohorts (gnomAD); In silico analysis supports that this missense variant has a deleterious effect on protein structure/function; Has not been previously published as pathogenic or benign to our knowledge